The following is an entry in ClinVar:

ClinVar aggregate classification (germline): Conflicting classifications of pathogenicity. Review status: criteria provided, conflicting classifications (1 of 4 stars). 2 submissions from 2 submitters: Likely pathogenic (1); Uncertain significance (1). Last evaluated 2025-01-15.

Allele frequency attached by ClinVar (database versions not stated): gnomAD exomes below 0.00001.
gnomAD v4.1: 1 of 1,614,068 alleles (0.000062%); highest among the groups gnomAD compares: Admixed American, 0.0017%; no homozygotes.

Submissions (2):

GeneDx
Classification: Likely pathogenic. Last evaluated: 2025-01-15. Review status: criteria provided, single submitter. Criteria: GeneDx Variant Classification Process June 2021. Collection method: clinical testing. Allele origin: germline. Affected: yes.
Comment: Identified in a patient with autosomal recessive dystrophic epidermolysis bullosa who went on to develop cutaneous squamous cell carcinoma (PMID: 29291383); Located in the highly conserved Gly-X-Y repeat of the collagenous domain; Glycine substitution variants in this region of the COLVII protein destabilize the collagen triple helix resulting in skin fragility due to poor anchoring of the basement membrane to the underlying dermis (PMID: 20301481); Not observed at significant frequency in large population cohorts (gnomAD); In silico analysis supports that this missense variant has a deleterious effect on protein structure/function; This variant is associated with the following publications: (PMID: 29291383, 20301481)

Labcorp Genetics (formerly Invitae), Labcorp
Classification: Uncertain significance. Last evaluated: 2021-10-15. Review status: criteria provided, single submitter. Criteria: Invitae Variant Classification Sherloc (09022015). Collection method: clinical testing. Allele origin: germline.
Comment: This sequence change replaces glycine with glutamic acid at codon 1554 of the COL7A1 protein (p.Gly1554Glu). The glycine residue is highly conserved and there is a moderate physicochemical difference between glycine and glutamic acid. This variant is not present in population databases (ExAC no frequency). This missense change has been observed in individual(s) with autosomal recessive dystrophic epidermolysis bullosa and/or clinical features of autosomal dominant epidermolysis bullosa (PMID: 29291383, 29473190; Invitae). Advanced modeling of protein sequence and biophysical properties (such as structural, functional, and spatial information, amino acid conservation, physicochemical variation, residue mobility, and thermodynamic stability) performed at Invitae indicates that this missense variant is expected to disrupt COL7A1 protein function. In summary, the available evidence is currently insufficient to determine the role of this variant in disease. Therefore, it has been classified as a Variant of Uncertain Significance. This variant disrupts the triple helix domain of COL7A1. Glycine residues within the Gly-Xaa-Yaa repeats of the triple helix domain are required for the structure and stability of fibrillar collagens (PMID: 7695699, 8218237, 19344236), and variants at these glycine residues in COL7A1 are more frequently observed in individuals with disease than in the general population (PMID: 22058051). However, the clinical significance of this observation remains uncertain since only a limited number of affected individuals have been described to date.

Literature cited by the submitters: PubMed 29291383 (cited by Labcorp Genetics (formerly Invitae), Labcorp); PubMed 29473190 (cited by Labcorp Genetics (formerly Invitae), Labcorp); PubMed 7695699 (cited by Labcorp Genetics (formerly Invitae), Labcorp); PubMed 8218237 (cited by Labcorp Genetics (formerly Invitae), Labcorp); PubMed 19344236 (cited by Labcorp Genetics (formerly Invitae), Labcorp); PubMed 22058051 (cited by Labcorp Genetics (formerly Invitae), Labcorp).

NM_000094.4(COL7A1):c.4661G>A (p.Gly1554Glu)

Gene: COL7A1 (collagen type VII alpha 1 chain; minus strand). Cytogenetic location: 3p21.31.
Variant type: single nucleotide variant.
Coding change: c.4661G>A on transcript NM_000094.4 (MANE Select); coding-DNA position 4661, G replaced by A.
Protein change: p.Gly1554Glu; replaces glycine 1554 with glutamic acid.
Molecular consequence: missense variant.
Genome position (GRCh38, 1-based): chr3:48,581,918, C>T on the plus strand (G>A on the coding strand, the complement: COL7A1 is on the minus strand). VCF-style: chr3-48581918-C-T. GRCh37 (hg19) VCF-style: chr3-48619351-C-T.
Other names: c.4661G>A (NM_000094.3); short protein forms G1554E.
Identifiers: ClinVar variation 1420614 (VCV001420614.7), dbSNP rs2107715075, ClinGen allele CA352686345.